The following is an entry in ClinVar:

ClinVar aggregate classification (germline): Benign (1 of 4 stars; one submission).

Conditions:
Hereditary angioedema type 1 (HAE1). Identifiers: Orphanet 100050, Orphanet 100051, Orphanet 91378, MedGen C2717906, MONDO:0015053, OMIM 106100.

Allele frequency attached by ClinVar (database versions not stated): 1000 Genomes Project 0.14816; 1000 Genomes Project 30x 0.15037; TOPMed 0.19457; gnomAD 0.20817 and 0.20950.

Submission:

CeMIA
Classification: Benign for Hereditary angioedema type 1. Review status: criteria provided, single submitter. Criteria: ACMG Guidelines, 2015. Collection method: clinical testing. Allele origin: germline. Affected: yes.
Comment: This variant is considered likely benign or benign based on one or more of the following criteria: allele frequency is >5% in Exome Sequencing Project, 1000 Genomes Project, or Exome Aggregation Consortium (BA1), allele frequency is greater than expected for disorder (BS1), it is observed in a healthy adult individual (BS2), it is predicted to be benign by multiple in silico algorithms (BP4), it is found in a case with an alternate molecular basis for the disease (BP5) and/or reputable source recently reports variant as benign (BP6).

Literature cited by the submitters: PubMed 31959500.

NM_000062.3(SERPING1):c.686-957A>G

Gene: SERPING1 (serpin family G member 1; plus strand). Cytogenetic location: 11q12.1.
Variant type: single nucleotide variant.
Coding change: c.686-957A>G on transcript NM_000062.3 (MANE Select); 957 bases into the intron before coding-DNA position 686, A replaced by G.
Molecular consequence: intron variant.
Genome position (GRCh38, 1-based): chr11:57,605,053, A>G. VCF-style: chr11-57605053-A-G. GRCh37 (hg19) VCF-style: chr11-57372526-A-G.
Other names: c.686-957A>G (NM_001032295.2).
Identifiers: ClinVar variation 983251 (VCV000983251.2), dbSNP rs28362951, ClinGen allele CA15686408.